The following is an entry in ClinVar:

NM_000051.4(ATM):c.3963_3964delinsAA (p.Met1321_Leu1322delinsIleIle)

Gene: ATM (ATM serine/threonine kinase; plus strand). Cytogenetic location: 11q22.3.
Variant type: Indel.
Coding change: c.3963_3964delinsAA on transcript NM_000051.4 (MANE Select); coding-DNA positions 3963 to 3964, GC replaced by AA.
Protein change: p.Met1321_Leu1322delinsIleIle.
Molecular consequence: missense variant.
Genome position (GRCh38, 1-based): chr11:108,284,443-108,284,444, GC replaced by AA. VCF-style: chr11-108284443-GC-AA. GRCh37 (hg19) VCF-style: chr11-108155170-GC-AA.
Other names: c.3963_3964delinsAA, p.Met1321_Leu1322delinsIleIle (NM_001351834.2).
Identifiers: ClinVar variation 2748070 (VCV002748070.3), dbSNP rs2546888027, ClinGen allele CA2697556367.
Genomic context (GRCh38, chr11:108,284,443, plus strand): 5'-GGGTACCAGAGACAGTGGGATGGCACAGCAAAGAGAGACTGCTACCAAGGTCTATGATAT[GC>AA]TTAAAAGTGAAAACTTATTGGGAAAACAGGTATGGCTTCAATTTTTATGTACTTTTCATT-3'

ClinVar aggregate classification (germline): Uncertain significance (1 of 4 stars; one submission).

Conditions:
Ataxia-telangiectasia syndrome (AT). Also called: AT, COMPLEMENTATION GROUP C; Ataxia-telangiectasia, complementation group D; ATAXIA-TELANGIECTASIA, COMPLEMENTATION GROUP A; ATAXIA-TELANGIECTASIA, FRESNO VARIANT; Ataxia-telangiectasia; Ataxia telangiectasia (A-T). Identifiers: Orphanet 100, MedGen C0004135, MONDO:0008840, OMIM 208900.

Submission:

Labcorp Genetics (formerly Invitae), Labcorp
Classification: Uncertain significance for Ataxia-telangiectasia syndrome. Last evaluated: 2023-07-29. Review status: criteria provided, single submitter. Criteria: Invitae Variant Classification Sherloc (09022015). Collection method: clinical testing. Allele origin: germline.
Comment: This variant, c.3963_3964delinsAA, is a complex sequence change that results in the deletion of 2 and insertion of 2 amino acid(s) in the ATM protein (p.Met1321_Leu1322delinsIleIle). In summary, the available evidence is currently insufficient to determine the role of this variant in disease. Therefore, it has been classified as a Variant of Uncertain Significance. Experimental studies and prediction algorithms are not available or were not evaluated, and the functional significance of this variant is currently unknown. This variant has not been reported in the literature in individuals affected with ATM-related conditions. Information on the frequency of this variant in the gnomAD database is not available, as this variant may be reported differently in the database.